The following is an entry in ClinVar:

NM_139027.6(ADAMTS13):c.566A>G (p.Asn189Ser)

Gene: ADAMTS13 (ADAM metallopeptidase with thrombospondin type 1 motif 13; plus strand). Cytogenetic location: 9q34.2.
Variant type: single nucleotide variant.
Coding change: c.566A>G on transcript NM_139027.6 (MANE Select); coding-DNA position 566, A replaced by G.
Protein change: p.Asn189Ser; replaces asparagine 189 with serine.
Molecular consequence: missense variant. On other transcripts: non-coding transcript variant (1).
Genome position (GRCh38, 1-based): chr9:133,426,225, A>G. VCF-style: chr9-133426225-A-G. GRCh37 (hg19) VCF-style: chr9-136291345-A-G.
Other names: c.566A>G, p.Asn189Ser (NM_139025.5, NM_139026.6); short protein forms N189S.
Identifiers: ClinVar variation 2059213 (VCV002059213.4), dbSNP rs2491078779, ClinGen allele CA375383202.

ClinVar aggregate classification (germline): Uncertain significance (1 of 4 stars; one submission).

Allele frequency attached by ClinVar (database versions not stated): gnomAD exomes below 0.00001.

Submission:

Labcorp Genetics (formerly Invitae), Labcorp
Classification: Uncertain significance. Last evaluated: 2021-12-24. Review status: criteria provided, single submitter. Criteria: Invitae Variant Classification Sherloc (09022015). Collection method: clinical testing. Allele origin: germline.
Comment: This sequence change replaces asparagine, which is neutral and polar, with serine, which is neutral and polar, at codon 189 of the ADAMTS13 protein (p.Asn189Ser). This variant is not present in population databases (gnomAD no frequency). This variant has not been reported in the literature in individuals affected with ADAMTS13-related conditions. Algorithms developed to predict the effect of missense changes on protein structure and function output the following: SIFT: "Deleterious"; PolyPhen-2: "Possibly Damaging"; Align-GVGD: "Class C0". The serine amino acid residue is found in multiple mammalian species, which suggests that this missense change does not adversely affect protein function. In summary, the available evidence is currently insufficient to determine the role of this variant in disease. Therefore, it has been classified as a Variant of Uncertain Significance.